The following is an entry in ClinVar:

ClinVar aggregate classification (germline): Uncertain significance. Review status: criteria provided, multiple submitters, no conflicts (2 of 4 stars). 2 submissions from 2 submitters: Uncertain significance (2). Last evaluated 2025-12-09.

Conditions:
Beta-D-mannosidosis (MANSB). Also called: MANNOSIDOSIS, BETA A, LYSOSOMAL; BETA-MANNOSIDASE DEFICIENCY; LYSOSOMAL BETA-MANNOSIDASE DEFICIENCY; Beta-Mannosidosis. Identifiers: Orphanet 118, MedGen C4048196, MONDO:0009562, OMIM 248510.
Inborn genetic diseases. Identifiers: MedGen C0950123, MeSH D030342.

gnomAD v4.1: 17 of 1,611,090 alleles (0.0011%); highest among the groups gnomAD compares: Non-Finnish European, 0.0014%; no homozygotes.

Submissions (2):

Ambry Genetics
Classification: Uncertain significance for Inborn genetic diseases. Last evaluated: 2025-12-09. Review status: criteria provided, single submitter. Criteria: Ambry Variant Classification Scheme 2023. Collection method: clinical testing. Allele origin: germline.

Labcorp Genetics (formerly Invitae), Labcorp
Classification: Uncertain significance for Beta-D-mannosidosis. Last evaluated: 2025-03-13. Review status: criteria provided, single submitter. Criteria: Invitae Variant Classification Sherloc (09022015). Collection method: clinical testing. Allele origin: germline.
Comment: This sequence change replaces glycine, which is neutral and non-polar, with valine, which is neutral and non-polar, at codon 812 of the MANBA protein (p.Gly812Val). This variant is present in population databases (rs773604239, gnomAD 0.004%). This variant has not been reported in the literature in individuals affected with MANBA-related conditions. An algorithm developed to predict the effect of missense changes on protein structure and function (PolyPhen-2) suggests that this variant is likely to be tolerated. In summary, the available evidence is currently insufficient to determine the role of this variant in disease. Therefore, it has been classified as a Variant of Uncertain Significance.

NM_005908.4(MANBA):c.2435G>T (p.Gly812Val)

Gene: MANBA (mannosidase beta; minus strand). Cytogenetic location: 4q24.
Variant type: single nucleotide variant.
Coding change: c.2435G>T on transcript NM_005908.4 (MANE Select); coding-DNA position 2435, G replaced by T.
Protein change: p.Gly812Val; replaces glycine 812 with valine.
Molecular consequence: missense variant.
Genome position (GRCh38, 1-based): chr4:102,632,262, C>A on the plus strand (G>T on the coding strand, the complement: MANBA is on the minus strand). VCF-style: chr4-102632262-C-A. GRCh37 (hg19) VCF-style: chr4-103553419-C-A.
Other names: short protein forms G812V.
Identifiers: ClinVar variation 4624225 (VCV004624225.2).